The following is an entry in ClinVar:

NM_001079866.2(BCS1L):c.218G>A (p.Arg73His)

Gene: BCS1L (BCS1 homolog, ubiquinol-cytochrome c reductase complex chaperone; plus strand). Cytogenetic location: 2q35.
Variant type: single nucleotide variant.
Coding change: c.218G>A on transcript NM_001079866.2 (MANE Select); coding-DNA position 218, G replaced by A.
Protein change: p.Arg73His; replaces arginine 73 with histidine.
Molecular consequence: missense variant. On other transcripts: 5 prime UTR variant (5), non-coding transcript variant (1), intron variant (3).
Genome position (GRCh38, 1-based): chr2:218,661,205, G>A. VCF-style: chr2-218661205-G-A. GRCh37 (hg19) VCF-style: chr2-219525928-G-A.
Other names: c.218G>A, p.Arg73His (NM_001257342.2, NM_001257343.2, NM_001257344.2 and 10 more transcripts); c.-259G>A (NM_001371453.1, NM_001371454.1, NM_001371455.1 and 2 more transcripts); c.-40-201G>A (NM_001371451.1, NM_001318836.2); c.-41-554G>A (NM_001371452.1); short protein forms R73H.
Identifiers: ClinVar variation 2161937 (VCV002161937.2), dbSNP rs758643336, ClinGen allele CA2109628.

ClinVar aggregate classification (germline): Uncertain significance (1 of 4 stars; one submission).

Allele frequency attached by ClinVar (database versions not stated): ExAC 0.00001; gnomAD exomes 0.00001; gnomAD 0.00002; TOPMed 0.00002.
gnomAD v4.1: 22 of 1,614,078 alleles (0.0014%); highest among the groups gnomAD compares: Middle Eastern, 0.016%; no homozygotes.

Submission:

Labcorp Genetics (formerly Invitae), Labcorp
Classification: Uncertain significance. Last evaluated: 2025-01-06. Review status: criteria provided, single submitter. Criteria: Invitae Variant Classification Sherloc (09022015). Collection method: clinical testing. Allele origin: germline.
Comment: This sequence change replaces arginine, which is basic and polar, with histidine, which is basic and polar, at codon 73 of the BCS1L protein (p.Arg73His). This variant is present in population databases (rs758643336, gnomAD 0.006%). This variant has not been reported in the literature in individuals affected with BCS1L-related conditions. ClinVar contains an entry for this variant (Variation ID: 2161937). Invitae Evidence Modeling of protein sequence and biophysical properties (such as structural, functional, and spatial information, amino acid conservation, physicochemical variation, residue mobility, and thermodynamic stability) indicates that this missense variant is not expected to disrupt BCS1L protein function with a negative predictive value of 95%. In summary, the available evidence is currently insufficient to determine the role of this variant in disease. Therefore, it has been classified as a Variant of Uncertain Significance.